The following is an entry in ClinVar:

NM_003079.5(SMARCE1):c.1220A>T (p.Asp407Val)

Gene: SMARCE1 (SWI/SNF related BAF chromatin remodeling complex subunit E1; minus strand). Cytogenetic location: 17q21.2.
Variant type: single nucleotide variant.
Coding change: c.1220A>T on transcript NM_003079.5 (MANE Select); coding-DNA position 1220, A replaced by T.
Protein change: p.Asp407Val; replaces aspartic acid 407 with valine.
Molecular consequence: missense variant.
Genome position (GRCh38, 1-based): chr17:40,628,801, T>A on the plus strand (A>T on the coding strand, the complement: SMARCE1 is on the minus strand). VCF-style: chr17-40628801-T-A. GRCh37 (hg19) VCF-style: chr17-38785053-T-A.
Other names: short protein forms D407V.
Identifiers: ClinVar variation 2781182 (VCV002781182.4), dbSNP rs2508592395, ClinGen allele CA399360750.
Genomic context (GRCh38, chr17:40,628,801, plus strand): 5'-TTTCATTAAAAAAAGTATTTAGAACACACAAAACAAGGCAACACTTATTCTTTTTTCTCA[T>A]CTTCTGGTATGGGATCTGTTGGTGGCTCCTCCACTGTTGCACTGTTGCTCTCCGAGCCAG-3'
Protein context (NP_003070.3, residues 397-411): EEPPTDPIPE[Asp407Val]EKKE

ClinVar aggregate classification (germline): Uncertain significance. Review status: criteria provided, multiple submitters, no conflicts (2 of 4 stars). 2 submissions from 2 submitters: Uncertain significance (2). Last evaluated 2024-01-27.

Conditions:
Familial meningioma. Also called: Meningioma, familial, susceptibility to. Identifiers: Orphanet 263662, MedGen C3551915, MONDO:0011789, OMIM 607174.

Submissions (2):

Labcorp Genetics (formerly Invitae), Labcorp
Classification: Uncertain significance for Familial meningioma. Last evaluated: 2024-01-27. Review status: criteria provided, single submitter. Criteria: Invitae Variant Classification Sherloc (09022015). Collection method: clinical testing. Allele origin: germline.
Comment: This sequence change replaces aspartic acid, which is acidic and polar, with valine, which is neutral and non-polar, at codon 407 of the SMARCE1 protein (p.Asp407Val). This variant is not present in population databases (gnomAD no frequency). This variant has not been reported in the literature in individuals affected with SMARCE1-related conditions. Experimental studies and prediction algorithms are not available or were not evaluated, and the functional significance of this variant is currently unknown. In summary, the available evidence is currently insufficient to determine the role of this variant in disease. Therefore, it has been classified as a Variant of Uncertain Significance.

GeneDx
Classification: Uncertain significance. Last evaluated: 2023-10-19. Review status: criteria provided, single submitter. Criteria: GeneDx Variant Classification Process June 2021. Collection method: clinical testing. Allele origin: germline. Affected: yes.
Comment: Not observed at significant frequency in large population cohorts (gnomAD); In silico analysis supports that this missense variant does not alter protein structure/function; Has not been previously published as pathogenic or benign to our knowledge; This variant is associated with the following publications: (PMID: 19245665)